The following is an entry in ClinVar:

ClinVar aggregate classification (germline): Conflicting classifications of pathogenicity. Review status: criteria provided, conflicting classifications (1 of 4 stars). 2 submissions from 2 submitters: Uncertain significance (1); Likely benign (1). Last evaluated 2023-10-22.

Conditions:
Immunodeficiency-centromeric instability-facial anomalies syndrome 4 (ICF4). Identifiers: Orphanet 2268, MedGen C4310798, MONDO:0014829, OMIM 616911.

Allele frequency attached by ClinVar (database versions not stated): gnomAD exomes below 0.00001 and 0.00001; TOPMed below 0.00001; ExAC 0.00001.

Submissions (2):

Labcorp Genetics (formerly Invitae), Labcorp
Classification: Likely benign. Last evaluated: 2023-10-22. Review status: criteria provided, single submitter. Criteria: Invitae Variant Classification Sherloc (09022015). Collection method: clinical testing. Allele origin: germline.

Baylor Genetics
Classification: Uncertain significance for Immunodeficiency-centromeric instability-facial anomalies syndrome 4. Last evaluated: 2018-11-03. Review status: criteria provided, single submitter. Criteria: ACMG Guidelines, 2015. Collection method: clinical testing. Allele origin: unknown. Affected: yes.
Comment: This variant was determined to be of uncertain significance according to ACMG Guidelines, 2015 [PMID:25741868].

NM_018063.5(HELLS):c.360A>G (p.Glu120=)

Gene: HELLS (helicase, lymphoid specific; plus strand). Cytogenetic location: 10q23.33.
Variant type: single nucleotide variant.
Coding change: c.360A>G on transcript NM_018063.5 (MANE Select); coding-DNA position 360, A replaced by G.
Protein change: p.Glu120=; no amino-acid change (glutamic acid 120 retained).
Molecular consequence: synonymous variant. On other transcripts: 5 prime UTR variant (3), missense variant (1).
Genome position (GRCh38, 1-based): chr10:94,562,717, A>G. VCF-style: chr10-94562717-A-G. GRCh37 (hg19) VCF-style: chr10-96322474-A-G.
Other names: c.360A>G, p.Glu120= (NM_001289067.2, NM_001289069.2, NM_001289070.2 and 1 more transcripts); c.312A>G, p.Glu104= (NM_001289068.2); c.-13A>G (NM_001289071.2); c.11A>G, p.Lys4Arg (NM_001289073.2); c.-643A>G (NM_001289074.2); c.-662A>G (NM_001289075.2); short protein forms K4R.
Identifiers: ClinVar variation 1032786 (VCV001032786.8), dbSNP rs780887609, ClinGen allele CA5615254.